The following is an entry in ClinVar:

ClinVar aggregate classification (germline): Pathogenic (1 of 4 stars; one submission).

Conditions:
Neurofibromatosis, type 1 (NF1). Also called: Peripheral type neurofibromatosis; VON RECKLINGHAUSEN DISEASE; NEUROFIBROMATOSIS, TYPE I, SOMATIC; Neurofibromatosis, type I. Identifiers: Orphanet 636, MedGen C0027831, MONDO:0018975, OMIM 162200. Disease mechanism: loss of function.

Submission:

Labcorp Genetics (formerly Invitae), Labcorp
Classification: Pathogenic for Neurofibromatosis, type 1. Last evaluated: 2024-01-12. Review status: criteria provided, single submitter. Criteria: Invitae Variant Classification Sherloc (09022015). Collection method: clinical testing. Allele origin: germline.
Comment: This sequence change creates a premature translational stop signal (p.Arg1807Alafs*33) in the NF1 gene. It is expected to result in an absent or disrupted protein product. Loss-of-function variants in NF1 are known to be pathogenic (PMID: 10712197, 23913538). This variant is not present in population databases (gnomAD no frequency). This variant has not been reported in the literature in individuals affected with NF1-related conditions. For these reasons, this variant has been classified as Pathogenic.

Literature cited by the submitters: PubMed 10712197; PubMed 23913538.

NM_001042492.3(NF1):c.5482_5488del (p.Arg1828fs)

Gene: NF1 (neurofibromin 1; plus strand). Cytogenetic location: 17q11.2.
Variant type: Deletion.
Coding change: c.5482_5488del on transcript NM_001042492.3 (MANE Select); coding-DNA positions 5482 to 5488, 7 bases deleted (CGGACCC; older notation c.5482_5488delCGGACCC).
Protein change: p.Arg1828fs; shifts the reading frame from arginine 1828.
Molecular consequence: frameshift variant.
Genome position (GRCh38, 1-based): chr17:31,327,712-31,327,718, CGGACCC deleted; deleting any 7 consecutive bases within chr17:31,327,711-31,327,718 gives the same sequence; the c. name uses the placement nearest the transcript's 3' end. VCF-style (leftmost placement, unchanged base first): chr17-31327710-TCCGGACC-T. GRCh37 (hg19) VCF-style: chr17-29654728-TCCGGACC-T.
Other names: c.5419_5425delCGGACCC, p.Arg1807Alafs (NM_000267.4); short protein forms R1828fs, R1807fs.
Identifiers: ClinVar variation 2708886 (VCV002708886.3), dbSNP rs2508707112, ClinGen allele CA2697559634.
Genomic context (GRCh38, chr17:31,327,710, plus strand): 5'-GCACGCCGCTCACCTTCATGCACCAGGAGTGTGAAGCCATTGTCCAGTCTATCATTCATA[TCCGGACC>T]CGCTGGGAACTGTCACAGCCCGACTCTATCCCCCAACACACCAAGATTCGGCCAAAAGAT-3'